The following is an entry in ClinVar:

NM_004387.4(NKX2-5):c.630G>C (p.Pro210=)

Gene: NKX2-5 (NK2 homeobox 5; minus strand). Cytogenetic location: 5q35.1.
Variant type: single nucleotide variant.
Coding change: c.630G>C on transcript NM_004387.4 (MANE Select); coding-DNA position 630, G replaced by C.
Protein change: p.Pro210=; no amino-acid change (proline 210 retained).
Molecular consequence: synonymous variant. On other transcripts: 3 prime UTR variant (2).
Genome position (GRCh38, 1-based): chr5:173,232,914, C>G on the plus strand (G>C on the coding strand, the complement: NKX2-5 is on the minus strand). VCF-style: chr5-173232914-C-G. GRCh37 (hg19) VCF-style: chr5-172659917-C-G.
Other names: c.*583G>C (NM_001166175.2); c.*429G>C (NM_001166176.2).
Identifiers: ClinVar variation 1752793 (VCV001752793.3), dbSNP rs2113901391, ClinGen allele CA447974783.

ClinVar aggregate classification (germline): Likely benign. Review status: criteria provided, multiple submitters, no conflicts (2 of 4 stars). 2 submissions from 2 submitters: Likely benign (2). Last evaluated 2025-03-31.

Conditions:
Cardiovascular phenotype. Identifiers: MedGen CN230736.
NKX2-5-related disorder. Also called: NKX2-5-related condition.

Submissions (2):

PreventionGenetics, part of Exact Sciences
Classification: Likely benign for NKX2-5-related condition. Last evaluated: 2025-03-31. Review status: criteria provided, single submitter. Criteria: ACMG Guidelines, 2015. Collection method: clinical testing. Allele origin: germline.
Comment: This variant is classified as likely benign based on ACMG/AMP sequence variant interpretation guidelines (Richards et al. 2015 PMID: 25741868, with internal and published modifications).

Ambry Genetics
Classification: Likely benign for Cardiovascular phenotype. Last evaluated: 2020-11-15. Review status: criteria provided, single submitter. Criteria: Ambry Variant Classification Scheme 2023. Collection method: clinical testing. Allele origin: germline.